The following is an entry in ClinVar:

NM_033028.5(BBS4):c.683C>T (p.Ala228Val)

Gene: BBS4 (Bardet-Biedl syndrome 4; plus strand). Cytogenetic location: 15q24.1.
Variant type: single nucleotide variant.
Coding change: c.683C>T on transcript NM_033028.5 (MANE Select); coding-DNA position 683, C replaced by T.
Protein change: p.Ala228Val; replaces alanine 228 with valine.
Molecular consequence: missense variant. On other transcripts: non-coding transcript variant (2), intron variant (1).
Genome position (GRCh38, 1-based): chr15:72,729,656, C>T. VCF-style: chr15-72729656-C-T. GRCh37 (hg19) VCF-style: chr15-73021997-C-T.
Other names: c.683C>T (NM_033028.4); c.167C>T, p.Ala56Val (NM_001252678.2); c.643-1649C>T (NM_001320665.2); short protein forms A56V, A228V.
Identifiers: ClinVar variation 1374341 (VCV001374341.7), dbSNP rs2151043996, ClinGen allele CA393077829.

ClinVar aggregate classification (germline): Uncertain significance. Review status: criteria provided, multiple submitters, no conflicts (2 of 4 stars). 2 submissions from 2 submitters: Uncertain significance (2). Last evaluated 2025-12-29.

Conditions:
BBS4-related disorder. Also called: BBS4-related condition.
Bardet-Biedl syndrome (BBS). Identifiers: Orphanet 110, MedGen C0752166, MONDO:0015229.

gnomAD v4.1: 1 of 1,614,088 alleles (0.000062%); highest among the groups gnomAD compares: South Asian, 0.0011%; no homozygotes.

Submissions (2):

PreventionGenetics, part of Exact Sciences
Classification: Uncertain significance for BBS4-related condition. Last evaluated: 2025-12-29. Review status: criteria provided, single submitter. Criteria: ACMG Guidelines, 2015. Collection method: clinical testing. Allele origin: germline.
Comment: The BBS4 c.683C>T variant is predicted to result in the amino acid substitution p.Ala228Val. To our knowledge, this variant has not been reported in the literature or in a large population database (gnomAD), indicating this variant is rare. At this time, the clinical significance of this variant is uncertain due to the absence of conclusive functional and genetic evidence.

Labcorp Genetics (formerly Invitae), Labcorp
Classification: Uncertain significance for Bardet-Biedl syndrome. Last evaluated: 2024-08-18. Review status: criteria provided, single submitter. Criteria: Invitae Variant Classification Sherloc (09022015). Collection method: clinical testing. Allele origin: germline.
Comment: This sequence change replaces alanine, which is neutral and non-polar, with valine, which is neutral and non-polar, at codon 228 of the BBS4 protein (p.Ala228Val). This variant is not present in population databases (gnomAD no frequency). This variant has not been reported in the literature in individuals affected with BBS4-related conditions. ClinVar contains an entry for this variant (Variation ID: 1374341). Invitae Evidence Modeling of protein sequence and biophysical properties (such as structural, functional, and spatial information, amino acid conservation, physicochemical variation, residue mobility, and thermodynamic stability) indicates that this missense variant is not expected to disrupt BBS4 protein function with a negative predictive value of 80%. In summary, the available evidence is currently insufficient to determine the role of this variant in disease. Therefore, it has been classified as a Variant of Uncertain Significance.